The following is an entry in ClinVar:

ClinVar aggregate classification (germline): Uncertain significance (1 of 4 stars; one submission).

Conditions:
Autosomal dominant nocturnal frontal lobe epilepsy 5. Also called: Epilepsy, nocturnal frontal lobe, 5; KCNT1-Related Epilepsy; CILIARY DYSKINESIA, PRIMARY, 28, WITHOUT SITUS INVERSUS; CILIARY DYSKINESIA, PRIMARY, 28, WITH SITUS INVERSUS. Identifiers: Orphanet 98784, MedGen C3554306, MONDO:0014002, OMIM 615005.
Developmental and epileptic encephalopathy, 14 (DEE14). Also called: Early infantile epileptic encephalopathy 14. Identifiers: Orphanet 293181, MedGen C3554195, MONDO:0013989, OMIM 614959.

Allele frequency attached by ClinVar (database versions not stated): gnomAD exomes below 0.00001 and 0.00001; ExAC 0.00001; TOPMed 0.00001.
gnomAD v4.1: 9 of 1,612,726 alleles (0.00056%); highest among the groups gnomAD compares: East Asian, 0.0022%; no homozygotes.

Submission:

Labcorp Genetics (formerly Invitae), Labcorp
Classification: Uncertain significance for Autosomal dominant nocturnal frontal lobe epilepsy 5; Developmental and epileptic encephalopathy, 14. Last evaluated: 2025-11-09. Review status: criteria provided, single submitter. Criteria: Invitae Variant Classification Sherloc (09022015). Collection method: clinical testing. Allele origin: germline.
Comment: This sequence change replaces arginine, which is basic and polar, with tryptophan, which is neutral and slightly polar, at codon 1042 of the KCNT1 protein (p.Arg1042Trp). This variant is present in population databases (rs772472766, gnomAD 0.003%). This variant has not been reported in the literature in individuals affected with KCNT1-related conditions. ClinVar contains an entry for this variant (Variation ID: 659210). Invitae Evidence Modeling of protein sequence and biophysical properties (such as structural, functional, and spatial information, amino acid conservation, physicochemical variation, residue mobility, and thermodynamic stability) indicates that this missense variant is expected to disrupt KCNT1 protein function with a positive predictive value of 80%. In summary, the available evidence is currently insufficient to determine the role of this variant in disease. Therefore, it has been classified as a Variant of Uncertain Significance.

NM_020822.3(KCNT1):c.3124C>T (p.Arg1042Trp)

Gene: KCNT1 (potassium sodium-activated channel subfamily T member 1; plus strand). Cytogenetic location: 9q34.3.
Variant type: single nucleotide variant.
Coding change: c.3124C>T on transcript NM_020822.3 (MANE Select); coding-DNA position 3124, C replaced by T.
Protein change: p.Arg1042Trp; replaces arginine 1042 with tryptophan.
Molecular consequence: missense variant.
Genome position (GRCh38, 1-based): chr9:135,784,857, C>T. VCF-style: chr9-135784857-C-T. GRCh37 (hg19) VCF-style: chr9-138676703-C-T.
Other names: c.2989C>T, p.Arg997Trp (NM_001272003.2); short protein forms R1042W, R997W.
Identifiers: ClinVar variation 659210 (VCV000659210.9), dbSNP rs772472766, ClinGen allele CA5327618.